The following is an entry in ClinVar:

NM_203290.4(POLR1C):c.197T>G (p.Val66Gly)

Gene: POLR1C (RNA polymerase I and III subunit C; plus strand). Cytogenetic location: 6p21.1.
Variant type: single nucleotide variant.
Coding change: c.197T>G on transcript NM_203290.4 (MANE Select); coding-DNA position 197, T replaced by G.
Protein change: p.Val66Gly; replaces valine 66 with glycine.
Molecular consequence: missense variant.
Genome position (GRCh38, 1-based): chr6:43,519,388, T>G. VCF-style: chr6-43519388-T-G. GRCh37 (hg19) VCF-style: chr6-43487126-T-G.
Other names: c.197T>G, p.Val66Gly (NM_001318876.2, NM_001363658.2); short protein forms V66G.
Identifiers: ClinVar variation 4696956 (VCV004696956.1).

ClinVar aggregate classification (germline): Uncertain significance (1 of 4 stars; one submission).

Submission:

Labcorp Genetics (formerly Invitae), Labcorp
Classification: Uncertain significance. Last evaluated: 2025-11-27. Review status: criteria provided, single submitter. Criteria: Invitae Variant Classification Sherloc (09022015). Collection method: clinical testing. Allele origin: germline.
Comment: This sequence change replaces valine, which is neutral and non-polar, with glycine, which is neutral and non-polar, at codon 66 of the POLR1C protein (p.Val66Gly). This variant is not present in population databases (gnomAD no frequency). This variant has not been reported in the literature in individuals affected with POLR1C-related conditions. Invitae Evidence Modeling of protein sequence and biophysical properties (such as structural, functional, and spatial information, amino acid conservation, physicochemical variation, residue mobility, and thermodynamic stability) indicates that this missense variant is expected to disrupt POLR1C protein function with a positive predictive value of 80%. In summary, the available evidence is currently insufficient to determine the role of this variant in disease. Therefore, it has been classified as a Variant of Uncertain Significance.